The following is an entry in ClinVar:

NM_006885.4(ZFHX3):c.8382G>C (p.Leu2794Phe)

Genes: ZFHX3 (zinc finger homeobox 3; minus strand), ZFHX3-AS1 (ZFHX3 antisense RNA 1; plus strand). Cytogenetic location: 16q22.2.
Variant type: single nucleotide variant.
Coding change: c.8382G>C on transcript NM_006885.4 (MANE Select); coding-DNA position 8382, G replaced by C.
Protein change: p.Leu2794Phe; replaces leucine 2794 with phenylalanine.
Molecular consequence: missense variant.
Genome position (GRCh38, 1-based): chr16:72,794,300, C>G on the plus strand (G>C on the coding strand, the complement: ZFHX3 is on the minus strand). VCF-style: chr16-72794300-C-G. GRCh37 (hg19) VCF-style: chr16-72828199-C-G.
Other names: c.5640G>C, p.Leu1880Phe (NM_001164766.2); c.8382G>C, p.Leu2794Phe (NM_001386735.1); short protein forms L1880F, L2794F.
Identifiers: ClinVar variation 4086631 (VCV004086631.1).

ClinVar aggregate classification (germline): Uncertain significance (1 of 4 stars; one submission).

Submission:

GeneDx
Classification: Uncertain significance. Last evaluated: 2025-03-18. Review status: criteria provided, single submitter. Criteria: GeneDx Variant Classification Process June 2021. Collection method: clinical testing. Allele origin: germline. Affected: yes.
Comment: Not observed at significant frequency in large population cohorts (gnomAD); In silico analysis supports that this missense variant has a deleterious effect on protein structure/function; Has not been previously published as pathogenic or benign to our knowledge